The following is an entry in ClinVar:

NM_024818.6(UBA5):c.567G>A (p.Met189Ile)

Genes: NPHP3-ACAD11 (NPHP3-ACAD11 readthrough (NMD candidate); minus strand), UBA5 (ubiquitin like modifier activating enzyme 5; plus strand). Cytogenetic location: 3q22.1.
Variant type: single nucleotide variant.
Coding change: c.567G>A on transcript NM_024818.6 (MANE Select); coding-DNA position 567, G replaced by A.
Protein change: p.Met189Ile; replaces methionine 189 with isoleucine.
Molecular consequence: missense variant.
Genome position (GRCh38, 1-based): chr3:132,671,037, G>A. VCF-style: chr3-132671037-G-A. GRCh37 (hg19) VCF-style: chr3-132389881-G-A.
Other names: c.399G>A, p.Met133Ile (NM_001320210.2, NM_198329.4); c.297G>A, p.Met99Ile (NM_001321238.2); c.231G>A, p.Met77Ile (NM_001321239.1); short protein forms M189I, M133I, M77I, M99I.
Identifiers: ClinVar variation 2129261 (VCV002129261.1), dbSNP rs2530325778, ClinGen allele CA354573854.

ClinVar aggregate classification (germline): Uncertain significance (1 of 4 stars; one submission).

Submission:

Labcorp Genetics (formerly Invitae), Labcorp
Classification: Uncertain significance. Last evaluated: 2022-04-22. Review status: criteria provided, single submitter. Criteria: Invitae Variant Classification Sherloc (09022015). Collection method: clinical testing. Allele origin: germline.
Comment: This sequence change replaces methionine, which is neutral and non-polar, with isoleucine, which is neutral and non-polar, at codon 189 of the UBA5 protein (p.Met189Ile). This variant is not present in population databases (gnomAD no frequency). This variant has not been reported in the literature in individuals affected with UBA5-related conditions. Algorithms developed to predict the effect of missense changes on protein structure and function are either unavailable or do not agree on the potential impact of this missense change (SIFT: "Not Available"; PolyPhen-2: "Benign"; Align-GVGD: "Not Available"). In summary, the available evidence is currently insufficient to determine the role of this variant in disease. Therefore, it has been classified as a Variant of Uncertain Significance.